The following is an entry in ClinVar:

ClinVar aggregate classification (germline): Uncertain significance (1 of 4 stars; one submission).

Submission:

GeneDx
Classification: Uncertain significance. Last evaluated: 2026-02-01. Review status: criteria provided, single submitter. Criteria: GeneDx Variant Classification Process June 2021. Collection method: clinical testing. Allele origin: germline.
Comment: Not observed at significant frequency in large population cohorts (gnomAD); In silico analysis supports that this missense variant has a deleterious effect on protein structure/function; Has not been previously published as pathogenic or benign to our knowledge

NM_181552.4(CUX1):c.1828A>G (p.Met610Val)

Gene: CUX1 (cut like homeobox 1; plus strand). Cytogenetic location: 7q22.1.
Variant type: single nucleotide variant.
Coding change: c.1828A>G on transcript NM_181552.4 (MANE Select); coding-DNA position 1828, A replaced by G.
Protein change: p.Met610Val; replaces methionine 610 with valine.
Molecular consequence: missense variant. On other transcripts: intron variant (5).
Genome position (GRCh38, 1-based): chr7:102,197,239, A>G. VCF-style: chr7-102197239-A-G. GRCh37 (hg19) VCF-style: chr7-101840519-A-G.
Other names: c.1861A>G, p.Met621Val (NM_001202543.2); c.1255+1636A>G (NM_001913.5); c.1249+1636A>G (NM_181500.4); c.1117+1636A>G (NM_001202545.3); c.1207+1636A>G (NM_001202544.3); c.1138+1636A>G (NM_001202546.3); short protein forms M610V, M621V.
Identifiers: ClinVar variation 3769737 (VCV003769737.2).